The following is an entry in ClinVar:

NM_002734.5(PRKAR1A):c.304G>C (p.Ala102Pro)

Gene: PRKAR1A (protein kinase cAMP-dependent type I regulatory subunit alpha; plus strand). Cytogenetic location: 17q24.2.
Variant type: single nucleotide variant.
Coding change: c.304G>C on transcript NM_002734.5 (MANE Select); coding-DNA position 304, G replaced by C.
Protein change: p.Ala102Pro; replaces alanine 102 with proline.
Molecular consequence: missense variant.
Genome position (GRCh38, 1-based): chr17:68,522,882, G>C. VCF-style: chr17-68522882-G-C. GRCh37 (hg19) VCF-style: chr17-66519023-G-C.
Other names: c.304G>C, p.Ala102Pro (NM_001276289.2, NM_001276290.1, NM_001278433.2 and 4 more transcripts); short protein forms A102P.
Identifiers: ClinVar variation 1799252 (VCV001799252.2), dbSNP rs2143274565, ClinGen allele CA400752426.

ClinVar aggregate classification (germline): Uncertain significance (1 of 4 stars; one submission).

Conditions:
Hereditary cancer-predisposing syndrome. Also called: Neoplastic Syndromes, Hereditary; Tumor predisposition; Hereditary Cancer Syndrome; Hereditary neoplastic syndrome. Identifiers: Orphanet 140162, MedGen C0027672, MeSH D009386, MONDO:0015356.

Submission:

Ambry Genetics
Classification: Uncertain significance for Hereditary cancer-predisposing syndrome. Last evaluated: 2017-01-30. Review status: criteria provided, single submitter. Criteria: Ambry Variant Classification Scheme 2023. Collection method: clinical testing. Allele origin: germline.
Comment: The p.A102P variant (also known as c.304G>C), located in coding exon 2 of the PRKAR1A gene, results from a G to C substitution at nucleotide position 304. The alanine at codon 102 is replaced by proline, an amino acid with highly similar properties. This amino acid position is highly conserved in available vertebrate species. In addition, this alteration is predicted to be deleterious by in silico analysis. Since supporting evidence is limited at this time, the clinical significance of this alteration remains unclear.